The following is an entry in ClinVar:

ClinVar aggregate classification (germline): Pathogenic/Likely pathogenic. Review status: criteria provided, multiple submitters, no conflicts (2 of 4 stars). 8 submissions from 8 submitters: Pathogenic (7); Likely pathogenic (1). Last evaluated 2025-12-21.

Conditions:
Inborn genetic diseases. Identifiers: MedGen C0950123, MeSH D030342.
VPS13A-related neurodegenerative disease. Also called: LEVINE-CRITCHLEY SYNDROME; ACANTHOCYTOSIS WITH NEUROLOGIC DISORDER; VPS13A Disease; Choreaacanthocytosis; Choreoacanthocytosis; Chorea-acanthocytosis. Identifiers: Orphanet 2388, MedGen C0393576, MONDO:0008695, OMIM 200150.
VPS13A-related disorder. Also called: VPS13A-related condition.

Allele frequency attached by ClinVar (database versions not stated): gnomAD exomes below 0.00001 and 0.00002; ExAC 0.00001; gnomAD 0.00004; TOPMed 0.00011; 1000 Genomes Project 0.00020; 1000 Genomes Project 30x 0.00031.
gnomAD v4.1: 15 of 1,613,858 alleles (0.00093%); highest among the groups gnomAD compares: Admixed American, 0.015%; no homozygotes.

Submissions (8):

Labcorp Genetics (formerly Invitae), Labcorp
Classification: Pathogenic. Last evaluated: 2025-12-21. Review status: criteria provided, single submitter. Criteria: Invitae Variant Classification Sherloc (09022015). Collection method: clinical testing. Allele origin: germline.
Comment: This sequence change creates a premature translational stop signal (p.Arg1297*) in the VPS13A gene. It is expected to result in an absent or disrupted protein product. Loss-of-function variants in VPS13A are known to be pathogenic (PMID: 12404112, 21598378). This variant is present in population databases (rs200280742, gnomAD 0.006%). This premature translational stop signal has been observed in individuals with chorea-acanthocytosis (PMID: 12404112, 21598378). ClinVar contains an entry for this variant (Variation ID: 372726). For these reasons, this variant has been classified as Pathogenic.

Natera, Inc.
Classification: Pathogenic for Choreaacanthocytosis. Last evaluated: 2025-10-07. Review status: criteria provided, single submitter. Criteria: Natera Variant Classification Schema (03/2026). Collection method: clinical testing. Allele origin: germline.
Comment: The c.3889C>T variant in VPS13A is a nonsense variant predicted to introduce a stop codon at amino acid 1297. This variant is expected to result in nonsense mediated decay, truncation, or a dysfunctional protein product. This variant is rare in the general population with a frequency below the threshold expected for the associated phenotype(s). This variant has been observed in one or more individuals affected with the associated recessive disease, as either homozygous or compound heterozygous with a second variant (PMID: 21598378). Given the available evidence, this variant is classified as Pathogenic.

Ambry Genetics
Classification: Pathogenic for Inborn genetic diseases. Last evaluated: 2025-09-24. Review status: criteria provided, single submitter. Criteria: Ambry Variant Classification Scheme 2023. Collection method: clinical testing. Allele origin: germline.
Comment: The c.3889C>T (p.R1297*) alteration, located in exon 34 (coding exon 34) of the VPS13A gene, consists of a C to T substitution at nucleotide position 3889. This changes the amino acid from an arginine (R) to a stop codon at amino acid position 1297. This alteration is expected to result in loss of function by premature protein truncation or nonsense-mediated mRNA decay. Based on data from gnomAD, the T allele has an overall frequency of 0.002% (4/251360) total alleles studied. The highest observed frequency was 0.009% (3/34588) of Latino alleles. This variant has been identified in the homozygous state and/or in conjunction with other VPS13A variant(s) in individual(s) with features consistent with Choreoacanthocytosis (Ichiba, 2007; De Franceschi, 2011). Based on the available evidence, this alteration is classified as pathogenic.

Revvity Omics, Revvity
Classification: Pathogenic for VPS13A-related neurodegenerative disease. Last evaluated: 2024-08-14. Review status: criteria provided, single submitter. Criteria: ACMG Guidelines, 2015. Collection method: clinical testing. Allele origin: germline.

Fulgent Genetics
Classification: Pathogenic for VPS13A-related neurodegenerative disease. Last evaluated: 2024-06-04. Review status: criteria provided, single submitter. Criteria: ACMG Guidelines, 2015. Collection method: clinical testing. Allele origin: germline.

Neuberg Centre For Genomic Medicine, NCGM
Classification: Likely pathogenic for VPS13A-related neurodegenerative disease. Last evaluated: 2023-05-20. Review status: criteria provided, single submitter. Criteria: ACMG Guidelines, 2015. Collection method: clinical testing. Allele origin: germline. Inheritance: Autosomal recessive inheritance. Affected: yes.
Comment: The observed stop gained variant c.3889C>T(p.Arg1297Ter) in the VPS13A gene has been reported previously in two individuals affected with chorea-acanthocytosis (Dobson-Stone C, et al., 2002; Tomiyasu A, et al., 2011). This variant is reported with the allele frequency 0.002% in the gnomAD Exomes. It is submitted to ClinVar as Pathogenic. However study in multiple individuals and functional evidence is unavailable to prove the pathogenicity of the variant. Computational evidence (MutationTaster - Disease causing) predicts damaging effect on protein structure and function for this variant. This variant is predicted to cause loss of normal protein function either through protein truncation or nonsense-mediated mRNA decay. Loss of function variants have been previously reported to be disease causing. For these reasons, this variant has been classified as Likely Pathogenic.

GeneDx
Classification: Pathogenic. Last evaluated: 2022-04-14. Review status: criteria provided, single submitter. Criteria: GeneDx Variant Classification Process June 2021. Collection method: clinical testing. Allele origin: germline. Affected: yes.
Comment: Nonsense variant predicted to result in protein truncation or nonsense mediated decay in a gene for which loss of function is a known mechanism of disease; Not observed at significant frequency in large population cohorts (gnomAD); This variant is associated with the following publications: (PMID: 25525159, 27742708, 12404112, 17673232)

Blueprint Genetics
Classification: Pathogenic for VPS13A-related disorders. Last evaluated: 2020-06-24. Review status: criteria provided, single submitter. Criteria: ACMG Guidelines, 2015. Collection method: clinical testing. Allele origin: germline. Affected: yes. Observed: 2 variant alleles.

Literature cited by the submitters: PubMed 12404112 (cited by Labcorp Genetics (formerly Invitae), Labcorp); PubMed 21598378 (cited by Labcorp Genetics (formerly Invitae), Labcorp and Natera, Inc.); PubMed 17673232 (cited by Ambry Genetics); PubMed 21951684 (cited by Ambry Genetics).

NM_033305.3(VPS13A):c.3889C>T (p.Arg1297Ter)

Gene: VPS13A (vacuolar protein sorting 13 homolog A; plus strand). Cytogenetic location: 9q21.2.
Variant type: single nucleotide variant.
Coding change: c.3889C>T on transcript NM_033305.3 (MANE Select); coding-DNA position 3889, C replaced by T.
Protein change: p.Arg1297Ter; replaces arginine 1297 with a stop codon.
Molecular consequence: nonsense.
Genome position (GRCh38, 1-based): chr9:77,302,991, C>T. VCF-style: chr9-77302991-C-T. GRCh37 (hg19) VCF-style: chr9-79917907-C-T.
Other names: c.3772C>T, p.Arg1258Ter (NM_001018037.2); c.3889C>T, p.Arg1297Ter (NM_001018038.3, NM_015186.4); short protein forms R1297*, R1258*.
Identifiers: ClinVar variation 372726 (VCV000372726.19), dbSNP rs200280742, ClinGen allele CA5092367.